The following is an entry in ClinVar:

ClinVar aggregate classification (germline): Benign/Likely benign. Review status: criteria provided, multiple submitters, no conflicts (2 of 4 stars). 4 submissions from 4 submitters: Benign (2); Likely benign (1). 1 of the submissions does not count toward it. Last evaluated 2025-12-15.

Conditions:
GSR-related disorder. Also called: GSR-related condition.

Allele frequency attached by ClinVar (database versions not stated): gnomAD 0.00920.
gnomAD v4.1: 2,072 of 183,624 alleles (1.1%); highest among the groups gnomAD compares: African/African-American, 4.9%; 18 homozygotes.

Submissions (6):

Labcorp Genetics (formerly Invitae), Labcorp
Classification: Likely benign. Last evaluated: 2025-12-15. Review status: criteria provided, single submitter. Criteria: Invitae Variant Classification Sherloc (09022015). Collection method: clinical testing. Allele origin: germline.

Mayo Clinic Laboratories, Mayo Clinic
Classification: Benign. Last evaluated: 2022-06-09. Review status: criteria provided, single submitter. Criteria: ACMG Guidelines, 2015. Collection method: clinical testing. Allele origin: germline. Observed: 65 variant alleles.
Comment: BS1, BS2, BP4, BP7

Center for Pediatric Genomic Medicine, Children's Mercy Hospital and Clinics
Classification: Benign. Last evaluated: 2016-10-11. Review status: criteria provided, single submitter. Criteria: ACMG Guidelines, 2015. Collection method: clinical testing. Allele origin: germline.

PreventionGenetics, part of Exact Sciences
Classification: Benign for GSR-related condition. Last evaluated: 2019-05-23. Review status: no assertion criteria provided. Collection method: clinical testing. Allele origin: germline. Not counted in ClinVar's aggregate classification.
Comment: This variant is classified as benign based on ACMG/AMP sequence variant interpretation guidelines (Richards et al. 2015 PMID: 25741868, with internal and published modifications).

Dr. Peter K. Rogan Lab, Western University
No classification provided (evidence only). Condition: Familial cancer of breast. Review status: no classification provided. Collection method: in vitro. Allele origin: not applicable. Functional consequence: retained intron. Not counted in ClinVar's aggregate classification.

Dr. Peter K. Rogan Lab, Western University
No classification provided (evidence only). Condition: Uterine corpus endometrial carcinoma. Review status: no classification provided. Collection method: in vitro. Allele origin: not applicable. Functional consequence: retained intron. Not counted in ClinVar's aggregate classification.

NM_000637.5(GSR):c.334-5T>A

Gene: GSR (glutathione-disulfide reductase; minus strand). Cytogenetic location: 8p12.
Variant type: single nucleotide variant.
Coding change: c.334-5T>A on transcript NM_000637.5 (MANE Select); 5 bases into the intron before coding-DNA position 334, T replaced by A.
Molecular consequence: intron variant.
Genome position (GRCh38, 1-based): chr8:30,709,907, A>T on the plus strand (T>A on the coding strand, the complement: GSR is on the minus strand). VCF-style: chr8-30709907-A-T. GRCh37 (hg19) VCF-style: chr8-30567424-A-T.
Other names: p.?; c.334-5T>A (NM_000637.3, NM_001195104.3, NM_001195102.3 and 1 more transcripts).
Identifiers: ClinVar variation 377268 (VCV000377268.10), dbSNP rs28641651, ClinGen allele CA4701553.
Genomic context (GRCh38, chr8:30,709,907, plus strand): 5'-CCATAATCAGCATGATCATGCATGAATTCAGAGTGGACAGCTGTGTTCCACATTACCTGT[A>T]AAAAAAAAAAAAAAAAAGGATCCAAAACAGCAGTAAATCAGTCCTGAGGGAAAAAAGGAA-3'